The following is an entry in ClinVar:

NM_033419.5(PGAP3):c.850C>G (p.His284Asp)

Gene: PGAP3 (post-GPI attachment to proteins phospholipase 3; minus strand). Cytogenetic location: 17q12.
Variant type: single nucleotide variant.
Coding change: c.850C>G on transcript NM_033419.5 (MANE Select); coding-DNA position 850, C replaced by G.
Protein change: p.His284Asp; replaces histidine 284 with aspartic acid.
Molecular consequence: missense variant. On other transcripts: intron variant (3).
Genome position (GRCh38, 1-based): chr17:39,673,100, G>C on the plus strand (C>G on the coding strand, the complement: PGAP3 is on the minus strand). VCF-style: chr17-39673100-G-C. GRCh37 (hg19) VCF-style: chr17-37829353-G-C.
Other names: c.697C>G, p.His233Asp (NM_001291726.2); c.787C>G, p.His263Asp (NM_001291728.2); c.433-234C>G (NM_001291733.2); c.495-234C>G (NM_001291732.2); c.558-234C>G (NM_001291730.2); short protein forms H233D, H263D, H284D.
Identifiers: ClinVar variation 1705734 (VCV001705734.3), dbSNP rs759541820, ClinGen allele CA8533224.

ClinVar aggregate classification (germline): Conflicting classifications of pathogenicity. Review status: criteria provided, conflicting classifications (1 of 4 stars). 2 submissions from 2 submitters: Pathogenic (1); Uncertain significance (1). Last evaluated 2022-09-01.

Conditions:
Hyperphosphatasia with impaired intellectual development syndrome 4. Also called: Hyperphosphatasia with intellectual disability syndrome 4; GLYCOSYLPHOSPHATIDYLINOSITOL BIOSYNTHESIS DEFECT 10. Identifiers: Orphanet 247262, MedGen C3810354, MONDO:0014318, OMIM 615716.

Allele frequency attached by ClinVar (database versions not stated): ExAC 0.00001; gnomAD 0.00001.

Submissions (2):

3billion
Classification: Uncertain significance for Hyperphosphatasia with impaired intellectual development syndrome 4. Last evaluated: 2022-09-01. Review status: criteria provided, single submitter. Criteria: ACMG Guidelines, 2015. Collection method: clinical testing. Allele origin: germline. Affected: yes. Observed: 1 homozygote.
Comment: This missense variant is observed at an extremely low frequency in the gnomAD v2.1.1 dataset (total allele frequency: <0.001%). In silico tool predictions suggest damaging effect of the variant on gene or gene product (REVEL: 0.73; 3Cnet: 0.99). Different missense changes at the same codon (p.His284Arg, p.His284Tyr) have been reported as pathogenic/likely pathogenic with strong evidence (ClinVar ID: VCV000599004, VCV000800935). Therefore, this variant is classified as uncertain significance according to the recommendation of ACMG/AMP guideline.

Dr.Nikuei Genetic Center
Classification: Pathogenic for Hyperphosphatasia with impaired intellectual development syndrome 4. Review status: criteria provided, single submitter. Criteria: ACMG Guidelines, 2015. Collection method: clinical testing. Allele origin: germline. Inheritance: Autosomal recessive inheritance. Affected: yes. Observed: 1 homozygote.